The following is an entry in ClinVar:

ClinVar aggregate classification (germline): Benign/Likely benign. Review status: criteria provided, multiple submitters, no conflicts (2 of 4 stars). 3 submissions from 3 submitters: Benign (1); Likely benign (2). Last evaluated 2026-01-27.

Allele frequency attached by ClinVar (database versions not stated): gnomAD exomes 0.00019 and 0.00036; 1000 Genomes Project 0.00040; ExAC 0.00042; 1000 Genomes Project 30x 0.00078; gnomAD 0.00140 and 0.00153; TOPMed 0.00154; ESP Exome Variant Server 0.00177.
gnomAD v4.1: 483 of 1,614,052 alleles (0.03%); highest among the groups gnomAD compares: African/African-American, 0.46%; 4 homozygotes.

Submissions (3):

Labcorp Genetics (formerly Invitae), Labcorp
Classification: Benign. Last evaluated: 2026-01-27. Review status: criteria provided, single submitter. Criteria: Invitae Variant Classification Sherloc (09022015). Collection method: clinical testing. Allele origin: germline.

CeGaT Center for Human Genetics Tuebingen
Classification: Likely benign. Last evaluated: 2025-12-01. Review status: criteria provided, single submitter. Criteria: CeGaT Center For Human Genetics Tuebingen Variant Classification Criteria Version 2. Collection method: clinical testing. Allele origin: germline. Affected: yes. Observed: 3 variant alleles.
Comment: TBC1D7: BP4, BP7

GeneDx
Classification: Likely benign. Last evaluated: 2020-02-18. Review status: criteria provided, single submitter. Criteria: GeneDx Variant Classification Process June 2021. Collection method: clinical testing. Allele origin: germline. Affected: yes.

NM_016495.6(TBC1D7):c.588C>T (p.Ser196=)

Genes: TBC1D7 (TBC1 domain family member 7; minus strand), TBC1D7-LOC100130357 (TBC1D7-LOC100130357 readthrough; minus strand), LOC126859592 (CDK7 strongly-dependent group 2 enhancer GRCh37_chr6:13307473-13308672; plus strand). Cytogenetic location: 6p24.1.
Variant type: single nucleotide variant.
Coding change: c.588C>T on transcript NM_016495.6 (MANE Select); coding-DNA position 588, C replaced by T.
Protein change: p.Ser196=; no amino-acid change (serine 196 retained).
Molecular consequence: synonymous variant.
Genome position (GRCh38, 1-based): chr6:13,307,677, G>A on the plus strand (C>T on the coding strand, the complement: TBC1D7 is on the minus strand). VCF-style: chr6-13307677-G-A. GRCh37 (hg19) VCF-style: chr6-13307909-G-A.
Other names: c.588C>T, p.Ser196= (NM_001318809.2, NM_001143964.4, NM_001143965.4 and 1 more transcripts); c.507C>T, p.Ser169= (NM_001143966.4); c.450C>T, p.Ser150= (NM_001258457.3).
Identifiers: ClinVar variation 727217 (VCV000727217.17), dbSNP rs142197006, ClinGen allele CA3639685.